The following is an entry in ClinVar:

NM_000051.4(ATM):c.5005+15T>A

Gene: ATM (ATM serine/threonine kinase; plus strand). Cytogenetic location: 11q22.3.
Variant type: single nucleotide variant.
Coding change: c.5005+15T>A on transcript NM_000051.4 (MANE Select); 15 bases into the intron after coding-DNA position 5005, T replaced by A.
Molecular consequence: intron variant.
Genome position (GRCh38, 1-based): chr11:108,297,397, T>A. VCF-style: chr11-108297397-T-A. GRCh37 (hg19) VCF-style: chr11-108168124-T-A.
Other names: c.5005+15T>A (NM_001351834.2).
Identifiers: ClinVar variation 377516 (VCV000377516.15), dbSNP rs377355762, ClinGen allele CA6265595.

ClinVar aggregate classification (germline): Conflicting classifications of pathogenicity. Review status: criteria provided, conflicting classifications (1 of 4 stars). 6 submissions from 6 submitters: Uncertain significance (1); Benign (1); Likely benign (4). Last evaluated 2026-01-26.

Conditions:
Ataxia-telangiectasia syndrome (AT). Also called: Ataxia-telangiectasia, complementation group E; LOUIS-BAR SYNDROME; Cerebello-oculocutaneous telangiectasia; Immunodeficiency with ataxia telangiectasia; ATAXIA-TELANGIECTASIA, COMPLEMENTATION GROUP A; ATAXIA-TELANGIECTASIA, FRESNO VARIANT. Identifiers: Orphanet 100, MedGen C0004135, MONDO:0008840, OMIM 208900.
Hereditary cancer-predisposing syndrome. Also called: Tumor predisposition; Neoplastic Syndromes, Hereditary; Hereditary neoplastic syndrome; Hereditary Cancer Syndrome. Identifiers: Orphanet 140162, MedGen C0027672, MeSH D009386, MONDO:0015356.
Familial cancer of breast. Also called: BREAST CANCER, FAMILIAL; Hereditary breast cancer; hereditary breast carcinoma. Identifiers: Orphanet 227535, MedGen C0346153, MONDO:0016419, OMIM 114480. Disease mechanism: loss of function.

Allele frequency attached by ClinVar (database versions not stated): TOPMed 0.00002; ESP Exome Variant Server 0.00008.
gnomAD v4.1: 50 of 1,574,856 alleles (0.0032%); highest among the groups gnomAD compares: Non-Finnish European, 0.001%; no homozygotes.

Submissions (6):

Labcorp Genetics (formerly Invitae), Labcorp
Classification: Likely benign for Ataxia-telangiectasia syndrome. Last evaluated: 2026-01-26. Review status: criteria provided, single submitter. Criteria: Invitae Variant Classification Sherloc (09022015). Collection method: clinical testing. Allele origin: germline.

Blueprint Genetics
Classification: Likely benign. Last evaluated: 2024-11-27. Review status: criteria provided, single submitter. Criteria: ACMG Guidelines, 2015. Collection method: clinical testing. Allele origin: germline.

Department of Pathology and Laboratory Medicine, Sinai Health System
Classification: Likely benign for Familial cancer of breast. Last evaluated: 2024-03-05. Review status: criteria provided, single submitter. Criteria: ACMG Guidelines, 2015. Collection method: clinical testing. Allele origin: germline. Affected: yes.

Illumina Laboratory Services, Illumina
Classification: Uncertain significance for Ataxia-telangiectasia syndrome. Last evaluated: 2018-01-12. Review status: criteria provided, single submitter. Criteria: ICSL Variant Classification Criteria 13 December 2019. Collection method: clinical testing. Allele origin: germline.

Color Diagnostics, LLC DBA Color Health
Classification: Likely benign for Hereditary cancer-predisposing syndrome. Last evaluated: 2016-04-11. Review status: criteria provided, single submitter. Criteria: ACMG Guidelines, 2015. Collection method: clinical testing. Allele origin: germline.

GeneDx
Classification: Benign. Last evaluated: 2015-05-13. Review status: criteria provided, single submitter. Criteria: GeneDx Variant Classification (06012015). Collection method: clinical testing. Allele origin: germline. Affected: yes.
Comment: This variant is considered likely benign or benign based on one or more of the following criteria: it is a conservative change, it occurs at a poorly conserved position in the protein, it is predicted to be benign by multiple in silico algorithms, and/or has population frequency not consistent with disease.